The following is an entry in ClinVar:

NM_213599.3(ANO5):c.1120T>C (p.Phe374Leu)

Gene: ANO5 (anoctamin 5; plus strand). Cytogenetic location: 11p14.3.
Variant type: single nucleotide variant.
Coding change: c.1120T>C on transcript NM_213599.3 (MANE Select); coding-DNA position 1120, T replaced by C.
Protein change: p.Phe374Leu; replaces phenylalanine 374 with leucine.
Molecular consequence: missense variant.
Genome position (GRCh38, 1-based): chr11:22,250,951, T>C. VCF-style: chr11-22250951-T-C. GRCh37 (hg19) VCF-style: chr11-22272497-T-C.
Other names: c.1117T>C, p.Phe373Leu (NM_001142649.2); c.1078T>C, p.Phe360Leu (NM_001410963.1); c.1075T>C, p.Phe359Leu (NM_001410964.1); short protein forms F359L, F360L, F374L, F373L.
Identifiers: ClinVar variation 2939827 (VCV002939827.3), dbSNP rs767148480, ClinGen allele CA5923151.
Genomic context (GRCh38, chr11:22,250,951, plus strand): 5'-CCTTTTTATTACATTTAGTACTAAATTATCTTTGTGATATTGTTATTGTTATTTTTACAG[T>C]TCTCCCATTTGTTTGATAATGAGTCAACAGTGTTCTTTGCAATATTCATGGGAATTTGGG-3'
Protein context (NP_998764.1, residues 364-384): RLNSTCLASK[Phe374Leu]SHLFDNESTV

ClinVar aggregate classification (germline): Uncertain significance (1 of 4 stars; one submission).

Conditions:
Gnathodiaphyseal dysplasia (GDD). Also called: GNATHODIAPHYSEAL SCLEROSIS; OSTEOGENESIS IMPERFECTA WITH UNUSUAL SKELETAL LESIONS. Identifiers: Orphanet 53697, MedGen C1833736, MONDO:0008151, OMIM 166260.
Autosomal recessive limb-girdle muscular dystrophy type 2L (LGMDR12). Also called: Limb-girdle muscular dystrophy, type 2L; MUSCULAR DYSTROPHY, LIMB-GIRDLE, AUTOSOMAL RECESSIVE 12; Limb-Girdle Muscular Dystrophy R12 Anoctamin-5-Related (LGMD-R12). Identifiers: Orphanet 206549, MedGen C1969785, MONDO:0012652, OMIM 611307.

Allele frequency attached by ClinVar (database versions not stated): gnomAD exomes below 0.00001; ExAC 0.00001.
gnomAD v4.1: 1 of 1,612,582 alleles (0.000062%); no homozygotes.

Submission:

Labcorp Genetics (formerly Invitae), Labcorp
Classification: Uncertain significance for Autosomal recessive limb-girdle muscular dystrophy type 2L; Gnathodiaphyseal dysplasia. Last evaluated: 2022-12-17. Review status: criteria provided, single submitter. Criteria: Invitae Variant Classification Sherloc (09022015). Collection method: clinical testing. Allele origin: germline.
Comment: This sequence change replaces phenylalanine, which is neutral and non-polar, with leucine, which is neutral and non-polar, at codon 374 of the ANO5 protein (p.Phe374Leu). In summary, the available evidence is currently insufficient to determine the role of this variant in disease. Therefore, it has been classified as a Variant of Uncertain Significance. Algorithms developed to predict the effect of missense changes on protein structure and function output the following: SIFT: "Tolerated"; PolyPhen-2: "Benign"; Align-GVGD: "Class C0". The leucine amino acid residue is found in multiple mammalian species, which suggests that this missense change does not adversely affect protein function. This variant has not been reported in the literature in individuals affected with ANO5-related conditions. This variant is present in population databases (rs767148480, gnomAD 0.01%).